The following is an entry in ClinVar:

NM_016169.4(SUFU):c.992G>A (p.Arg331Gln)

Gene: SUFU (SUFU negative regulator of hedgehog signaling; plus strand). Cytogenetic location: 10q24.32.
Variant type: single nucleotide variant.
Coding change: c.992G>A on transcript NM_016169.4 (MANE Select); coding-DNA position 992, G replaced by A.
Protein change: p.Arg331Gln; replaces arginine 331 with glutamine.
Molecular consequence: missense variant.
Genome position (GRCh38, 1-based): chr10:102,599,514, G>A. VCF-style: chr10-102599514-G-A. GRCh37 (hg19) VCF-style: chr10-104359271-G-A.
Other names: c.992G>A, p.Arg331Gln (NM_001178133.2); short protein forms R331Q.
Identifiers: ClinVar variation 406377 (VCV000406377.22), dbSNP rs141359583, ClinGen allele CA5667830.

ClinVar aggregate classification (germline): Conflicting classifications of pathogenicity. Review status: criteria provided, conflicting classifications (1 of 4 stars). 6 submissions from 6 submitters: Uncertain significance (5); Likely benign (1). Last evaluated 2026-02-03.

Conditions:
Medulloblastoma (MDB). Also called: Medulloblastoma, somatic; MEDULLOBLASTOMA PREDISPOSITION SYNDROME. Identifiers: Orphanet 616, MedGen C0025149, MeSH D008527, MONDO:0007959, OMIM 155255, HP:0002885.
Familial meningioma. Also called: Meningioma, familial, susceptibility to. Identifiers: Orphanet 263662, MedGen C3551915, MONDO:0011789, OMIM 607174.
Basal cell nevus syndrome 2 (BCNS2). Also called: NEVOID BASAL CELL CARCINOMA SYNDROME 2. Identifiers: MedGen C5830451, MONDO:0958189, OMIM 620343.
Joubert syndrome 32 (JBTS32). Identifiers: MedGen C4540342, MONDO:0033309, OMIM 617757.
Gorlin syndrome. Also called: Nevoid Basal Cell Carcinoma Syndrome; Basal cell nevus syndrome. Identifiers: Orphanet 377, MedGen C0004779, MONDO:0007187.
Hereditary cancer-predisposing syndrome. Also called: Tumor predisposition; Neoplastic Syndromes, Hereditary; Hereditary Cancer Syndrome; Hereditary neoplastic syndrome. Identifiers: Orphanet 140162, MedGen C0027672, MeSH D009386, MONDO:0015356.

Allele frequency attached by ClinVar (database versions not stated): gnomAD exomes 0.00006 and 0.00007; ExAC 0.00007; TOPMed 0.00007; ESP Exome Variant Server 0.00008; gnomAD 0.00005 and 0.00006.
gnomAD v4.1: 91 of 1,614,036 alleles (0.0056%); highest among the groups gnomAD compares: Middle Eastern, 0.016%; no homozygotes.

Submissions (6):

Labcorp Genetics (formerly Invitae), Labcorp
Classification: Uncertain significance for Gorlin syndrome; Medulloblastoma. Last evaluated: 2026-02-03. Review status: criteria provided, single submitter. Criteria: Invitae Variant Classification Sherloc (09022015). Collection method: clinical testing. Allele origin: germline.
Comment: This sequence change replaces arginine, which is basic and polar, with glutamine, which is neutral and polar, at codon 331 of the SUFU protein (p.Arg331Gln). This variant is present in population databases (rs141359583, gnomAD 0.02%). This variant has not been reported in the literature in individuals affected with SUFU-related conditions. ClinVar contains an entry for this variant (Variation ID: 406377). Invitae Evidence Modeling of protein sequence and biophysical properties (such as structural, functional, and spatial information, amino acid conservation, physicochemical variation, residue mobility, and thermodynamic stability) indicates that this missense variant is not expected to disrupt SUFU protein function with a negative predictive value of 80%. In summary, the available evidence is currently insufficient to determine the role of this variant in disease. Therefore, it has been classified as a Variant of Uncertain Significance.

Quest Diagnostics Nichols Institute San Juan Capistrano
Classification: Uncertain significance. Last evaluated: 2024-12-20. Review status: criteria provided, single submitter. Criteria: Quest Diagnostics criteria. Collection method: clinical testing. Allele origin: unknown.
Comment: The SUFU c.992G>A (p.Arg331Gln) variant has not been reported in individuals with SUFU-related conditions in the published literature. The frequency of this variant in the general population (Genome Aggregation Database) is higher than would generally be expected for pathogenic variants in this gene. Analysis of this variant using bioinformatics tools for the prediction of the effect of amino acid changes on protein structure and function yielded predictions that this variant is damaging. Based on the available information, we are unable to determine the clinical significance of this variant.

Fulgent Genetics
Classification: Uncertain significance for Medulloblastoma; Familial meningioma; Joubert syndrome 32; Basal cell nevus syndrome 2. Last evaluated: 2024-02-15. Review status: criteria provided, single submitter. Criteria: ACMG Guidelines, 2015. Collection method: clinical testing. Allele origin: germline.

Baylor Genetics
Classification: Uncertain significance for Familial meningioma. Last evaluated: 2023-12-15. Review status: criteria provided, single submitter. Criteria: ACMG Guidelines, 2015. Collection method: clinical testing. Allele origin: unknown.

Ambry Genetics
Classification: Likely benign for Hereditary cancer-predisposing syndrome. Last evaluated: 2023-06-30. Review status: criteria provided, single submitter. Criteria: Ambry Variant Classification Scheme 2023. Collection method: clinical testing. Allele origin: germline.

Illumina Laboratory Services, Illumina
Classification: Uncertain significance for Medulloblastoma. Last evaluated: 2018-01-12. Review status: criteria provided, single submitter. Criteria: ICSL Variant Classification Criteria 13 December 2019. Collection method: clinical testing. Allele origin: germline.